The following is an entry in ClinVar:

ClinVar aggregate classification (germline): Uncertain significance. Review status: criteria provided, multiple submitters, no conflicts (2 of 4 stars). 4 submissions from 3 submitters: Uncertain significance (4). Last evaluated 2023-11-04.

Conditions:
Retinitis pigmentosa 39 (RP39). Identifiers: Orphanet 791, MedGen C3151138, MONDO:0013436, OMIM 613809.
Usher syndrome type 2A. Also called: RETINAL DISEASE IN USHER SYNDROME TYPE IIA, MODIFIER OF; USHER SYNDROME, TYPE IIA. Identifiers: Orphanet 231178, Orphanet 886, MedGen C1848634, MONDO:0010169, OMIM 276901.

Allele frequency attached by ClinVar (database versions not stated): gnomAD exomes below 0.00001.
gnomAD v4.1: 1 of 1,614,192 alleles (0.000062%); highest among the groups gnomAD compares: Non-Finnish European, 0.000085%; no homozygotes.

Submissions (4):

Genome-Nilou Lab
Classification: Uncertain significance for Retinitis pigmentosa 39. Last evaluated: 2023-11-04. Review status: criteria provided, single submitter. Criteria: ACMG Guidelines, 2015. Collection method: clinical testing. Allele origin: germline. Affected: no.

Genome-Nilou Lab
Classification: Uncertain significance for Usher syndrome type 2A. Last evaluated: 2023-11-04. Review status: criteria provided, single submitter. Criteria: ACMG Guidelines, 2015. Collection method: clinical testing. Allele origin: germline. Affected: no.

Labcorp Genetics (formerly Invitae), Labcorp
Classification: Uncertain significance. Last evaluated: 2022-06-15. Review status: criteria provided, single submitter. Criteria: Invitae Variant Classification Sherloc (09022015). Collection method: clinical testing. Allele origin: germline.
Comment: This variant is not present in population databases (gnomAD no frequency). This sequence change replaces proline, which is neutral and non-polar, with alanine, which is neutral and non-polar, at codon 4325 of the USH2A protein (p.Pro4325Ala). In summary, the available evidence is currently insufficient to determine the role of this variant in disease. Therefore, it has been classified as a Variant of Uncertain Significance. Algorithms developed to predict the effect of missense changes on protein structure and function (SIFT, PolyPhen-2, Align-GVGD) all suggest that this variant is likely to be disruptive. ClinVar contains an entry for this variant (Variation ID: 1006718). This variant has not been reported in the literature in individuals affected with USH2A-related conditions.

Greenwood Genetic Center Diagnostic Laboratories, Greenwood Genetic Center
Classification: Uncertain significance. Last evaluated: 2021-07-12. Review status: criteria provided, single submitter. Criteria: ACMG Guidelines, 2015. Collection method: clinical testing. Allele origin: germline. Affected: yes.
Comment: PP3, PM2

NM_206933.4(USH2A):c.12973C>G (p.Pro4325Ala)

Gene: USH2A (usherin; minus strand). Cytogenetic location: 1q41.
Variant type: single nucleotide variant.
Coding change: c.12973C>G on transcript NM_206933.4 (MANE Select); coding-DNA position 12973, C replaced by G.
Protein change: p.Pro4325Ala; replaces proline 4325 with alanine.
Molecular consequence: missense variant.
Genome position (GRCh38, 1-based): chr1:215,674,938, G>C on the plus strand (C>G on the coding strand, the complement: USH2A is on the minus strand). VCF-style: chr1-215674938-G-C. GRCh37 (hg19) VCF-style: chr1-215848280-G-C.
Other names: short protein forms P4325A.
Identifiers: ClinVar variation 1006718 (VCV001006718.13), dbSNP rs1657955894, ClinGen allele CA344847998.